The following is an entry in ClinVar:

ClinVar aggregate classification (germline): Pathogenic (1 of 4 stars; one submission).

Conditions:
Primary ciliary dyskinesia. Also called: Ciliary dyskinesia. Identifiers: Orphanet 244, MedGen C0008780, MONDO:0016575, HP:0012265.

Allele frequency attached by ClinVar (database versions not stated): gnomAD exomes below 0.00001.

Submission:

Labcorp Genetics (formerly Invitae), Labcorp
Classification: Pathogenic for Primary ciliary dyskinesia. Last evaluated: 2023-06-27. Review status: criteria provided, single submitter. Criteria: Invitae Variant Classification Sherloc (09022015). Collection method: clinical testing. Allele origin: germline.
Comment: For these reasons, this variant has been classified as Pathogenic. This variant has not been reported in the literature in individuals affected with DNAH11-related conditions. This variant is not present in population databases (gnomAD no frequency). This sequence change creates a premature translational stop signal (p.Glu3273Asnfs*4) in the DNAH11 gene. It is expected to result in an absent or disrupted protein product. Loss-of-function variants in DNAH11 are known to be pathogenic (PMID: 18022865, 20513915, 22184204).

Literature cited by the submitters: PubMed 18022865; PubMed 20513915; PubMed 22184204.

NM_001277115.2(DNAH11):c.9817del (p.Glu3273fs)

Gene: DNAH11 (dynein axonemal heavy chain 11; plus strand). Cytogenetic location: 7p15.3.
Variant type: Deletion.
Coding change: c.9817del on transcript NM_001277115.2 (MANE Select); coding-DNA position 9817, one base deleted (G; older notation c.9817delG).
Protein change: p.Glu3273fs; shifts the reading frame from glutamic acid 3273.
Molecular consequence: frameshift variant.
Genome position (GRCh38, 1-based): chr7:21,787,476, G deleted. VCF-style (leftmost placement, unchanged base first): chr7-21787475-TG-T. GRCh37 (hg19) VCF-style: chr7-21827093-TG-T.
Other names: c.9838delG, p.Glu3280Asnfs (NM_003777.3); short protein forms E3273fs.
Identifiers: ClinVar variation 2984783 (VCV002984783.3), dbSNP rs2535262912, ClinGen allele CA2681988810.
Genomic context (GRCh38, chr7:21,787,475, plus strand): 5'-GCAAGCATTAATTAACTATGACAAAGAGCACATTCCAGAGAACTGTCTAAAAGTGGTGAA[TG>T]AACACTATTTGAAAGACCCAGAGTTTAATCCAAACCTGATTCGAACCAAATCTTTTGCAG-3'